The following is an entry in ClinVar:

ClinVar aggregate classification (germline): Likely pathogenic (1 of 4 stars; one submission).

Conditions:
Tuberous sclerosis 2 (TSC2). Identifiers: Orphanet 805, MedGen C1860707, MONDO:0013199, OMIM 613254.

Allele frequency attached by ClinVar (database versions not stated): gnomAD exomes below 0.00001.

Submission:

Labcorp Genetics (formerly Invitae), Labcorp
Classification: Likely pathogenic for Tuberous sclerosis 2. Last evaluated: 2019-06-17. Review status: criteria provided, single submitter. Criteria: Invitae Variant Classification Sherloc (09022015). Collection method: clinical testing. Allele origin: germline.
Comment: This variant is a deletion of the genomic region encompassing part of exon 39 (c.5067_5068+8del) of the TSC2 gene. It is expected to disrupt RNA splicing and likely results in an absent or disrupted protein product. This variant has been reported in the Leiden Open-source Variation Database (PMID: 21520333) in one individual affected with tuberous sclerosis and his/her parent, who displayed tooth pitting. In summary, the currently available evidence indicates that the variant is pathogenic, but additional data are needed to prove that conclusively. Therefore, this variant has been classified as Likely Pathogenic. Donor and acceptor splice site variants typically lead to a loss of protein function (PMID: 16199547), and loss-of-function variants in TSC2 are known to be pathogenic (PMID: 10205261, 17304050). This variant is not present in population databases (ExAC no frequency).

Literature cited by the submitters: PubMed 21520333; PubMed 16199547; PubMed 10205261; PubMed 17304050.

NM_000548.5(TSC2):c.5067_5068+8del

Gene: TSC2 (TSC complex subunit 2; plus strand). Cytogenetic location: 16p13.3.
Variant type: Deletion.
Coding change: c.5067_5068+8del on transcript NM_000548.5 (MANE Select); coding-DNA position 5067 through 8 bases into the intron after coding-DNA position 5068, 10 bases deleted (AGGTAGGGCC; older notation c.5067_5068+8delAGGTAGGGCC).
Molecular consequence: splice donor variant.
Genome position (GRCh38, 1-based): chr16:2,087,940-2,087,949, AGGTAGGGCC deleted. VCF-style (leftmost placement, unchanged base first): chr16-2087939-AAGGTAGGGCC-A. GRCh37 (hg19) VCF-style: chr16-2137940-AAGGTAGGGCC-A.
Other names: c.5067_5068+8del (NM_000548.3); c.4998_4999+8del (NM_001114382.3); c.4938_4939+8del (NM_021055.3, NM_001370405.1); c.4869_4870+8del (NM_001363528.2); c.4935_4936+8del (NM_001370404.1); c.4866_4867+8del (NM_001077183.3); c.4758_4759+8del (NM_001318827.2); c.4335_4336+8del (NM_001318831.2); and 2 more.
Identifiers: ClinVar variation 566240 (VCV000566240.9), dbSNP rs1567128655, ClinGen allele CA891844200.